The following is an entry in ClinVar:

NM_000492.4(CFTR):c.2759T>G (p.Val920Gly)

Gene: CFTR (CF transmembrane conductance regulator; plus strand). Cytogenetic location: 7q31.2.
Variant type: single nucleotide variant.
Coding change: c.2759T>G on transcript NM_000492.4 (MANE Select); coding-DNA position 2759, T replaced by G.
Protein change: p.Val920Gly; replaces valine 920 with glycine.
Molecular consequence: missense variant.
Genome position (GRCh38, 1-based): chr7:117,603,633, T>G. VCF-style: chr7-117603633-T-G. GRCh37 (hg19) VCF-style: chr7-117243687-T-G.
Other names: short protein forms V920G.
Identifiers: ClinVar variation 4535794 (VCV004535794.1).

ClinVar aggregate classification (germline): Uncertain significance (1 of 4 stars; one submission).

Submission:

Women's Health and Genetics/Laboratory Corporation of America, LabCorp
Classification: Uncertain significance. Last evaluated: 2025-09-04. Review status: criteria provided, single submitter. Criteria: LabCorp Variant Classification Summary - May 2015. Collection method: clinical testing. Allele origin: germline.
Comment: Variant summary: CFTR c.2759T>G (p.Val920Gly) results in a non-conservative amino acid change in the encoded protein sequence. Algorithms developed to predict the effect of missense changes on protein structure and function all suggest that this variant is likely to be disruptive. The variant was absent in 251406 control chromosomes. The available data on variant occurrences in the general population are insufficient to allow any conclusion about variant significance. To our knowledge, no occurrence of c.2759T>G in individuals affected with CFTR-related conditions and no experimental evidence demonstrating its impact on protein function have been reported. No submitters have cited clinical-significance assessments for this variant to ClinVar. Based on the evidence outlined above, the variant was classified as uncertain significance.